The following is an entry in ClinVar:

ClinVar aggregate classification (germline): Uncertain significance (1 of 4 stars; one submission).

Conditions:
Myasthenic syndrome, congenital, 22 (CMS22). Also called: PREPL DEFICIENCY. Identifiers: MedGen C4479088, MONDO:0044299, OMIM 616224.

Submission:

Labcorp Genetics (formerly Invitae), Labcorp
Classification: Uncertain significance for Myasthenic syndrome, congenital, 22. Last evaluated: 2022-01-10. Review status: criteria provided, single submitter. Criteria: Invitae Variant Classification Sherloc (09022015). Collection method: clinical testing. Allele origin: germline.
Comment: This sequence change replaces arginine, which is basic and polar, with glycine, which is neutral and non-polar, at codon 263 of the PREPL protein (p.Arg263Gly). In summary, the available evidence is currently insufficient to determine the role of this variant in disease. Therefore, it has been classified as a Variant of Uncertain Significance. Algorithms developed to predict the effect of missense changes on protein structure and function are either unavailable or do not agree on the potential impact of this missense change (SIFT: "Deleterious"; PolyPhen-2: "Possibly Damaging"; Align-GVGD: "Class C0"). This variant has not been reported in the literature in individuals affected with PREPL-related conditions. This variant is not present in population databases (gnomAD no frequency).

NM_001171613.2(PREPL):c.520C>G (p.Arg174Gly)

Gene: PREPL (prolyl endopeptidase like; minus strand). Cytogenetic location: 2p21.
Variant type: single nucleotide variant.
Coding change: c.520C>G on transcript NM_001171613.2 (MANE Select); coding-DNA position 520, C replaced by G.
Protein change: p.Arg174Gly; replaces arginine 174 with glycine.
Molecular consequence: missense variant.
Genome position (GRCh38, 1-based): chr2:44,339,329, G>C on the plus strand (C>G on the coding strand, the complement: PREPL is on the minus strand). VCF-style: chr2-44339329-G-C. GRCh37 (hg19) VCF-style: chr2-44566468-G-C.
Other names: c.787C>G, p.Arg263Gly (NM_001171606.2, NM_001374275.1, NM_001374276.1 and 4 more transcripts); c.520C>G, p.Arg174Gly (NM_001171617.1, NM_001374277.1); short protein forms R174G, R263G.
Identifiers: ClinVar variation 2074157 (VCV002074157.4), dbSNP rs748671108, ClinGen allele CA346692355.
Genomic context (GRCh38, chr2:44,339,329, plus strand): 5'-GGCCATCTATCAACCACACTTCAGAAGTAGTCTTGTTCATAATATTTATGGTGAGGAAAC[G>C]ACTGTCTTTTGTAAGATAAAGGAAAACAAAGTAGCTAGAGAGAGAGAGAGAGACATGAGA-3'
Protein context (NP_001165084.1, residues 164-184): FVFLYLTKDS[Arg174Gly]FLTINIMNKT